The following is an entry in ClinVar:

NM_001166108.2(PALLD):c.2873A>G (p.Asp958Gly)

Genes: CBR4 (carbonyl reductase 4; minus strand), PALLD (palladin, cytoskeletal associated protein; plus strand). Cytogenetic location: 4q32.3.
Variant type: single nucleotide variant.
Coding change: c.2873A>G on transcript NM_001166108.2 (MANE Select); coding-DNA position 2873, A replaced by G.
Protein change: p.Asp958Gly; replaces aspartic acid 958 with glycine.
Molecular consequence: missense variant.
Genome position (GRCh38, 1-based): chr4:168,921,556, A>G. VCF-style: chr4-168921556-A-G. GRCh37 (hg19) VCF-style: chr4-169842707-A-G.
Other names: c.1676A>G, p.Asp559Gly (NM_001166109.2); c.1361A>G, p.Asp454Gly (NM_001166110.2); c.701A>G, p.Asp234Gly (NM_001367567.1, NM_001367569.1); c.752A>G, p.Asp251Gly (NM_001367568.1, NM_001367570.1); c.2822A>G, p.Asp941Gly (NM_016081.4); short protein forms D454G, D234G, D559G, D251G, D941G, D958G.
Identifiers: ClinVar variation 1796457 (VCV001796457.2), dbSNP rs1761523394, ClinGen allele CA358708356.

ClinVar aggregate classification (germline): Uncertain significance (1 of 4 stars; one submission).

Submission:

Ambry Genetics
Classification: Uncertain significance. Last evaluated: 2022-08-23. Review status: criteria provided, single submitter. Criteria: Ambry Variant Classification Scheme 2023. Collection method: clinical testing. Allele origin: germline.
Comment: The p.D941G variant (also known as c.2822A>G), located in coding exon 16 of the PALLD gene, results from an A to G substitution at nucleotide position 2822. The aspartic acid at codon 941 is replaced by glycine, an amino acid with similar properties. This amino acid position is conserved. In addition, the in silico prediction for this alteration is inconclusive. Since supporting evidence is limited at this time, the clinical significance of this alteration remains unclear.